The following is an entry in ClinVar:

ClinVar aggregate classification (germline): Benign. Review status: criteria provided, multiple submitters, no conflicts (2 of 4 stars). 3 submissions from 3 submitters: Benign (2). 1 of the submissions does not count toward it. Last evaluated 2026-01-27.

Conditions:
DHX37-related disorder. Also called: DHX37-related condition; DHX37-Related Disorders.

Allele frequency attached by ClinVar (database versions not stated): gnomAD exomes 0.00229; ExAC 0.00287; gnomAD 0.00830 and 0.00881; TOPMed 0.00902; 1000 Genomes Project 0.00998; 1000 Genomes Project 30x 0.01077; ESP Exome Variant Server 0.01153.
gnomAD v4.1: 2,429 of 1,611,950 alleles (0.15%); highest among the groups gnomAD compares: African/African-American, 2.9%; 33 homozygotes.

Submissions (3):

Labcorp Genetics (formerly Invitae), Labcorp
Classification: Benign. Last evaluated: 2026-01-27. Review status: criteria provided, single submitter. Criteria: Invitae Variant Classification Sherloc (09022015). Collection method: clinical testing. Allele origin: germline.

Breakthrough Genomics
Classification: Benign. Review status: criteria provided, single submitter. Criteria: ACMG Guidelines, 2015. Collection method: not provided. Allele origin: germline. Inheritance: Autosomal recessive inheritance. Affected: yes.

PreventionGenetics, part of Exact Sciences
Classification: Benign for DHX37-related condition. Last evaluated: 2019-11-11. Review status: no assertion criteria provided. Collection method: clinical testing. Allele origin: germline. Not counted in ClinVar's aggregate classification.
Comment: This variant is classified as benign based on ACMG/AMP sequence variant interpretation guidelines (Richards et al. 2015 PMID: 25741868, with internal and published modifications).

NM_032656.4(DHX37):c.665C>G (p.Ala222Gly)

Gene: DHX37 (DEAH-box helicase 37; minus strand). Cytogenetic location: 12q24.31.
Variant type: single nucleotide variant.
Coding change: c.665C>G on transcript NM_032656.4 (MANE Select); coding-DNA position 665, C replaced by G.
Protein change: p.Ala222Gly; replaces alanine 222 with glycine.
Molecular consequence: missense variant.
Genome position (GRCh38, 1-based): chr12:124,980,563, G>C on the plus strand (C>G on the coding strand, the complement: DHX37 is on the minus strand). VCF-style: chr12-124980563-G-C. GRCh37 (hg19) VCF-style: chr12-125465109-G-C.
Other names: short protein forms A222G.
Identifiers: ClinVar variation 776777 (VCV000776777.11), dbSNP rs75990925, ClinGen allele CA6872386.